The following is an entry in ClinVar:

NM_007078.3(LDB3):c.1745C>T (p.Thr582Ile)

Gene: LDB3 (LIM domain binding 3; plus strand). Cytogenetic location: 10q23.2.
Variant type: single nucleotide variant.
Coding change: c.1745C>T on transcript NM_007078.3 (MANE Select); coding-DNA position 1745, C replaced by T.
Protein change: p.Thr582Ile; replaces threonine 582 with isoleucine.
Molecular consequence: missense variant.
Genome position (GRCh38, 1-based): chr10:86,718,032, C>T. VCF-style: chr10-86718032-C-T. GRCh37 (hg19) VCF-style: chr10-88477789-C-T.
Other names: c.1415C>T, p.Thr472Ile (NM_001080114.2); c.1760C>T, p.Thr587Ile (NM_001171610.2); c.1556C>T, p.Thr519Ile (NM_001368064.1, NM_001368065.1); c.1604C>T, p.Thr535Ile (NM_001368066.1); short protein forms T519I, T472I, T535I, T582I, T587I.
Identifiers: ClinVar variation 1993992 (VCV001993992.4), dbSNP rs754840310, ClinGen allele CA377452039.

ClinVar aggregate classification (germline): Uncertain significance (1 of 4 stars; one submission).

Conditions:
Myofibrillar myopathy 4. Also called: Zaspopathy (type). Identifiers: Orphanet 98912, MedGen C4721886, MONDO:0012277, OMIM 609452.

Allele frequency attached by ClinVar (database versions not stated): TOPMed below 0.00001.

Submission:

Labcorp Genetics (formerly Invitae), Labcorp
Classification: Uncertain significance for Myofibrillar myopathy 4. Last evaluated: 2022-05-13. Review status: criteria provided, single submitter. Criteria: Invitae Variant Classification Sherloc (09022015). Collection method: clinical testing. Allele origin: germline.
Comment: This variant has not been reported in the literature in individuals affected with LDB3-related conditions. In summary, the available evidence is currently insufficient to determine the role of this variant in disease. Therefore, it has been classified as a Variant of Uncertain Significance. Experimental studies and prediction algorithms are not available or were not evaluated, and the functional significance of this variant is currently unknown. This variant is not present in population databases (gnomAD no frequency). This sequence change replaces threonine, which is neutral and polar, with isoleucine, which is neutral and non-polar, at codon 582 of the LDB3 protein (p.Thr582Ile). The LDB3 gene has multiple clinically relevant transcripts. This variant occurs in alternate transcript NM_007078.3, and corresponds to NM_001080116.1:c.*18658C>T in the primary transcript.